The following is an entry in ClinVar:

ClinVar aggregate classification (germline): Uncertain significance. Review status: criteria provided, multiple submitters, no conflicts (2 of 4 stars). 6 submissions from 6 submitters: Uncertain significance (5). 1 of the submissions does not count toward it. Last evaluated 2024-09-09.

Conditions:
Long chain 3-hydroxyacyl-CoA dehydrogenase deficiency. Also called: Deficiency of long-chain 3-hydroxyacyl-coenzyme A dehydrogenase; LCHAD Deficiency. Identifiers: Orphanet 5, MedGen C3711645, MONDO:0012173, OMIM 609016.
Mitochondrial trifunctional protein deficiency. Identifiers: Orphanet 746, MedGen C1969443, MONDO:0012172.

Allele frequency attached by ClinVar (database versions not stated): gnomAD exomes 0.00004; ExAC 0.00005; gnomAD 0.00007; ESP Exome Variant Server 0.00008; TOPMed 0.00010.
gnomAD v4.1: 159 of 1,610,090 alleles (0.0099%); highest among the groups gnomAD compares: Non-Finnish European, 0.012%; no homozygotes.

Submissions (6):

GeneDx
Classification: Uncertain significance. Last evaluated: 2024-09-09. Review status: criteria provided, single submitter. Criteria: GeneDx Variant Classification Process June 2021. Collection method: clinical testing. Allele origin: germline. Affected: yes.
Comment: In silico analysis supports that this missense variant has a deleterious effect on protein structure/function; Has not been previously published as pathogenic or benign to our knowledge

Women's Health and Genetics/Laboratory Corporation of America, LabCorp
Classification: Uncertain significance. Last evaluated: 2023-04-04. Review status: criteria provided, single submitter. Criteria: LabCorp Variant Classification Summary - May 2015. Collection method: clinical testing. Allele origin: germline.
Comment: Variant summary: HADHA c.1637A>G (p.Tyr546Cys) results in a non-conservative amino acid change located in the 3-hydroxyacyl-CoA dehydrogenase, C-terminal (IPR006108) of the encoded protein sequence. Five of five in-silico tools predict a damaging effect of the variant on protein function. The variant allele was found at a frequency of 4e-05 in 251448 control chromosomes (gnomAD). This frequency is not significantly higher than estimated for a pathogenic variant in HADHA causing Long Chain 3-Hydroxyacyl-CoA Dehydrogenase Deficiency (4e-05 vs 0.0019), allowing no conclusion about variant significance. To our knowledge, no occurrence of c.1637A>G in individuals affected with Long Chain 3-Hydroxyacyl-CoA Dehydrogenase Deficiency and no experimental evidence demonstrating its impact on protein function have been reported. Four clinical diagnostic laboratories have submitted clinical-significance assessments for this variant to ClinVar after 2014 and classified the variant as VUS (n=3) and likely pathogenic (n=1). Based on the evidence outlined above, the variant was classified as uncertain significance.

Labcorp Genetics (formerly Invitae), Labcorp
Classification: Uncertain significance for Mitochondrial trifunctional protein deficiency; Long chain 3-hydroxyacyl-CoA dehydrogenase deficiency. Last evaluated: 2022-01-31. Review status: criteria provided, single submitter. Criteria: Invitae Variant Classification Sherloc (09022015). Collection method: clinical testing. Allele origin: germline.
Comment: This sequence change replaces tyrosine, which is neutral and polar, with cysteine, which is neutral and slightly polar, at codon 546 of the HADHA protein (p.Tyr546Cys). This variant is present in population databases (rs370170143, gnomAD 0.02%). This variant has not been reported in the literature in individuals affected with HADHA-related conditions. ClinVar contains an entry for this variant (Variation ID: 429528). Advanced modeling of protein sequence and biophysical properties (such as structural, functional, and spatial information, amino acid conservation, physicochemical variation, residue mobility, and thermodynamic stability) performed at Invitae indicates that this missense variant is expected to disrupt HADHA protein function. In summary, the available evidence is currently insufficient to determine the role of this variant in disease. Therefore, it has been classified as a Variant of Uncertain Significance.

Mayo Clinic Laboratories, Mayo Clinic
Classification: Uncertain significance. Last evaluated: 2021-07-16. Review status: criteria provided, single submitter. Criteria: ACMG Guidelines, 2015. Collection method: clinical testing. Allele origin: germline.

Neuberg Centre For Genomic Medicine, NCGM
Classification: Uncertain significance for Long chain 3-hydroxyacyl-CoA dehydrogenase deficiency. Review status: criteria provided, single submitter. Criteria: ACMG Guidelines, 2015. Collection method: clinical testing. Allele origin: germline. Inheritance: Autosomal recessive inheritance. Affected: yes.
Comment: The observed missense c.1637A>G (p.Tyr546Cys) variant in HADHA gene has not been reported previously as a pathogenic variant nor as a benign variant, to our knowledge. The p.Tyr546Cys variant has been reported with allele frequency of 0.004% in gnomAD Exomes. This variant has been submitted to the ClinVar database as Likely Pathogenic / Uncertain Significance. The amino acid change p.Tyr546Cys in HADHA is predicted as conserved by GERP++ and PhyloP across 100 vertebrates. The amino acid Tyr at position 546 is changed to a Cys changing protein sequence and it might alter its composition and physico-chemical properties. However, additional functional studies will be required to prove the pathogenicity of this variant. For these reasons, this variant has been classified as a Variant of Uncertain Significance (VUS).

Counsyl
Classification: Uncertain significance for Long chain 3-hydroxyacyl-CoA dehydrogenase deficiency. Last evaluated: 2019-06-17. Review status: no assertion criteria provided. Collection method: clinical testing. Allele origin: unknown. Not counted in ClinVar's aggregate classification.

NM_000182.5(HADHA):c.1637A>G (p.Tyr546Cys)

Genes: HADHA (hydroxyacyl-CoA dehydrogenase trifunctional multienzyme complex subunit alpha; minus strand), GAREM2 (GRB2 associated regulator of MAPK1 subtype 2; plus strand). Cytogenetic location: 2p23.3.
Variant type: single nucleotide variant.
Coding change: c.1637A>G on transcript NM_000182.5 (MANE Select); coding-DNA position 1637, A replaced by G.
Protein change: p.Tyr546Cys; replaces tyrosine 546 with cysteine.
Molecular consequence: missense variant.
Genome position (GRCh38, 1-based): chr2:26,194,622, T>C on the plus strand (A>G on the coding strand, the complement: HADHA is on the minus strand). VCF-style: chr2-26194622-T-C. GRCh37 (hg19) VCF-style: chr2-26417491-T-C.
Other names: p.Tyr546Cys; short protein forms Y546C.
Identifiers: ClinVar variation 429528 (VCV000429528.12), dbSNP rs370170143, ClinGen allele CA1559505.